The following is an entry in ClinVar:

ClinVar aggregate classification (germline): Uncertain significance. Review status: criteria provided, multiple submitters, no conflicts (2 of 4 stars). 2 submissions from 2 submitters: Uncertain significance (2). Last evaluated 2024-03-07.

Conditions:
Inborn genetic diseases. Identifiers: MedGen C0950123, MeSH D030342.
Nemaline myopathy 10 (NEM10). Identifiers: MedGen C4015360, MONDO:0014513, OMIM 616165.

Allele frequency attached by ClinVar (database versions not stated): TOPMed 0.00010.
gnomAD v4.1: 32 of 1,613,642 alleles (0.002%); highest among the groups gnomAD compares: African/African-American, 0.033%; no homozygotes.

Submissions (2):

Ambry Genetics
Classification: Uncertain significance for Inborn genetic diseases. Last evaluated: 2024-03-07. Review status: criteria provided, single submitter. Criteria: Ambry Variant Classification Scheme 2023. Collection method: clinical testing. Allele origin: germline.

Labcorp Genetics (formerly Invitae), Labcorp
Classification: Uncertain significance for Nemaline myopathy 10. Last evaluated: 2022-08-15. Review status: criteria provided, single submitter. Criteria: Invitae Variant Classification Sherloc (09022015). Collection method: clinical testing. Allele origin: germline.
Comment: This sequence change replaces proline, which is neutral and non-polar, with serine, which is neutral and polar, at codon 450 of the LMOD3 protein (p.Pro450Ser). This variant is present in population databases (rs748532243, gnomAD 0.04%). This variant has not been reported in the literature in individuals affected with LMOD3-related conditions. ClinVar contains an entry for this variant (Variation ID: 857405). Algorithms developed to predict the effect of missense changes on protein structure and function output the following: SIFT: "Tolerated"; PolyPhen-2: "Benign"; Align-GVGD: "Class C0". The serine amino acid residue is found in multiple mammalian species, which suggests that this missense change does not adversely affect protein function. In summary, the available evidence is currently insufficient to determine the role of this variant in disease. Therefore, it has been classified as a Variant of Uncertain Significance.

NM_198271.5(LMOD3):c.1348C>T (p.Pro450Ser)

Gene: LMOD3 (leiomodin 3; minus strand). Cytogenetic location: 3p14.1.
Variant type: single nucleotide variant.
Coding change: c.1348C>T on transcript NM_198271.5 (MANE Select); coding-DNA position 1348, C replaced by T.
Protein change: p.Pro450Ser; replaces proline 450 with serine.
Molecular consequence: missense variant.
Genome position (GRCh38, 1-based): chr3:69,119,007, G>A on the plus strand (C>T on the coding strand, the complement: LMOD3 is on the minus strand). VCF-style: chr3-69119007-G-A. GRCh37 (hg19) VCF-style: chr3-69168158-G-A.
Other names: c.1348C>T, p.Pro450Ser (NM_001304418.3); c.1348C>T (NM_198271.3); short protein forms P450S.
Identifiers: ClinVar variation 857405 (VCV000857405.4), dbSNP rs748532243, ClinGen allele CA2488810.